The following is an entry in ClinVar:

ClinVar aggregate classification (germline): Uncertain significance (1 of 4 stars; one submission).

Conditions:
Hereditary cancer-predisposing syndrome. Also called: Tumor predisposition; Hereditary neoplastic syndrome; Hereditary Cancer Syndrome; Neoplastic Syndromes, Hereditary. Identifiers: Orphanet 140162, MedGen C0027672, MeSH D009386, MONDO:0015356.

Submission:

Ambry Genetics
Classification: Uncertain significance for Hereditary cancer-predisposing syndrome. Last evaluated: 2023-11-17. Review status: criteria provided, single submitter. Criteria: Ambry Variant Classification Scheme 2023. Collection method: clinical testing. Allele origin: germline.
Comment: The c.446_447delGCinsAA variant (also known as p.G149E), located in coding exon 3 of the NTHL1 gene, results from an in-frame deletion of GC and insertion of AA at nucleotide positions 446 to 447. This results in the substitution of the glycine residue for a glutamic acid residue at codon 149, an amino acid with similar properties. This amino acid position is not well conserved in available vertebrate species. In addition, this alteration is predicted to be neutral by in silico analysis (Choi Y et al. PLoS ONE. 2012; 7(10):e46688). Since supporting evidence is limited at this time, the clinical significance of this alteration remains unclear.

NM_002528.7(NTHL1):c.422_423delinsAA (p.Gly141Glu)

Gene: NTHL1 (nth like DNA glycosylase 1; minus strand). Cytogenetic location: 16p13.3.
Variant type: Indel.
Coding change: c.422_423delinsAA on transcript NM_002528.7 (MANE Select); coding-DNA positions 422 to 423, GC replaced by AA.
Protein change: p.Gly141Glu; replaces glycine 141 with glutamic acid.
Molecular consequence: missense variant. On other transcripts: intron variant (1).
Genome position (GRCh38, 1-based): chr16:2,044,732-2,044,733, GC replaced by TT on the plus strand (GC replaced by AA on the coding strand, the reverse complement: NTHL1 is on the minus strand). VCF-style: chr16-2044732-GC-TT. GRCh37 (hg19) VCF-style: chr16-2094733-GC-TT.
Other names: c.92_93delinsAA, p.Gly31Glu (NM_001318194.2); c.355-1007_355-1006delinsAA (NM_001318193.2); short protein forms G141E, G31E.
Identifiers: ClinVar variation 3222671 (VCV003222671.1), dbSNP rs2548316326, ClinGen allele CA2825002409.